The following is an entry in ClinVar:

NM_000193.4(SHH):c.85G>C (p.Gly29Arg)

Gene: SHH (sonic hedgehog signaling molecule; minus strand). Cytogenetic location: 7q36.3.
Variant type: single nucleotide variant.
Coding change: c.85G>C on transcript NM_000193.4 (MANE Select); coding-DNA position 85, G replaced by C.
Protein change: p.Gly29Arg; replaces glycine 29 with arginine.
Molecular consequence: missense variant.
Genome position (GRCh38, 1-based): chr7:155,812,038, C>G on the plus strand (G>C on the coding strand, the complement: SHH is on the minus strand). VCF-style: chr7-155812038-C-G. GRCh37 (hg19) VCF-style: chr7-155604732-C-G.
Other names: short protein forms G29R.
Identifiers: ClinVar variation 3370145 (VCV003370145.1).

ClinVar aggregate classification (germline): Uncertain significance (1 of 4 stars; one submission).

Submission:

GeneDx
Classification: Uncertain significance. Last evaluated: 2023-12-20. Review status: criteria provided, single submitter. Criteria: GeneDx Variant Classification Process June 2021. Collection method: clinical testing. Allele origin: germline. Affected: yes.
Comment: Not observed at significant frequency in large population cohorts (gnomAD); In silico analysis supports that this missense variant has a deleterious effect on protein structure/function; Has not been previously published as pathogenic or benign to our knowledge